The following is an entry in ClinVar:

NM_000144.5(FXN):c.357G>A (p.Thr119=)

Gene: FXN (frataxin; plus strand). Cytogenetic location: 9q21.11.
Variant type: single nucleotide variant.
Coding change: c.357G>A on transcript NM_000144.5 (MANE Select); coding-DNA position 357, G replaced by A.
Protein change: p.Thr119=; no amino-acid change (threonine 119 retained).
Molecular consequence: synonymous variant.
Genome position (GRCh38, 1-based): chr9:69,053,233, G>A. VCF-style: chr9-69053233-G-A. GRCh37 (hg19) VCF-style: chr9-71668149-G-A.
Other names: c.357G>A, p.Thr119= (NM_181425.3).
Identifiers: ClinVar variation 2579062 (VCV002579062.25), dbSNP rs147571636, ClinGen allele CA5072717.

ClinVar aggregate classification (germline): Likely benign (1 of 4 stars; one submission).

Allele frequency attached by ClinVar (database versions not stated): TOPMed 0.00003; ExAC 0.00007; ESP Exome Variant Server 0.00008; gnomAD exomes 0.00017; 1000 Genomes Project 30x 0.00047; 1000 Genomes Project 0.00060.
gnomAD v4.1: 264 of 1,613,756 alleles (0.016%); highest among the groups gnomAD compares: East Asian, 0.57%; 1 homozygote.

Submission:

CeGaT Center for Human Genetics Tuebingen
Classification: Likely benign. Last evaluated: 2023-07-01. Review status: criteria provided, single submitter. Criteria: CeGaT Center For Human Genetics Tuebingen Variant Classification Criteria Version 2. Collection method: clinical testing. Allele origin: germline. Affected: yes. Observed: 1 variant allele.
Comment: FXN: BP4, BP7